The following is an entry in ClinVar:

NM_001348323.3(TRIP12):c.6123G>A (p.Pro2041=)

Gene: TRIP12 (thyroid hormone receptor interactor 12; minus strand). Cytogenetic location: 2q36.3.
Variant type: single nucleotide variant.
Coding change: c.6123G>A on transcript NM_001348323.3 (MANE Select); coding-DNA position 6123, G replaced by A.
Protein change: p.Pro2041=; no amino-acid change (proline 2041 retained).
Molecular consequence: synonymous variant.
Genome position (GRCh38, 1-based): chr2:229,767,635, C>T on the plus strand (G>A on the coding strand, the complement: TRIP12 is on the minus strand). VCF-style: chr2-229767635-C-T. GRCh37 (hg19) VCF-style: chr2-230632351-C-T.
Other names: c.6042G>A, p.Pro2014= (NM_001284214.2, NM_001348315.2); c.5997G>A, p.Pro1999= (NM_001284215.2, NM_001348316.2); c.5088G>A, p.Pro1696= (NM_001284216.2); c.5982G>A, p.Pro1994= (NM_001348317.1, NM_001348318.2); c.6108G>A, p.Pro2036= (NM_001348319.1, NM_001348320.2); c.6111G>A, p.Pro2037= (NM_001348321.1); c.6123G>A, p.Pro2041= (NM_001348322.1, NM_001348324.2, NM_001348325.2 and 2 more transcripts); c.6126G>A, p.Pro2042= (NM_001348328.1, NM_001348329.2, NM_001348330.2); and 4 more.
Identifiers: ClinVar variation 3045557 (VCV003045557.7), dbSNP rs747909233, ClinGen allele CA2152165.
Genomic context (GRCh38, chr2:229,767,635, plus strand): 5'-CTGCCCTTCTCTTGCTGCTATCAACAGTTTTTCACGCATTATCTCAATGCTTGAATAGTC[C>T]GGCAACTTAAGATAGTTCACACAAGTCATTACAGAGGGCAAGAAGTCATCTGGGTTTTCT-3'
Protein context (NP_001335252.1, residues 2031-2051): VMTCVNYLKL[Pro2041=]DYSSIEIMRE

ClinVar aggregate classification (germline): Likely benign. Review status: criteria provided, single submitter (1 of 4 stars). 2 submissions from 2 submitters: Likely benign (1). 1 of the submissions does not count toward it. Last evaluated 2025-12-01.

Conditions:
TRIP12-related disorder. Also called: TRIP12-related condition.

Allele frequency attached by ClinVar (database versions not stated): gnomAD 0.00001; TOPMed 0.00004; ExAC 0.00006.
gnomAD v4.1: 59 of 1,613,954 alleles (0.0037%); highest among the groups gnomAD compares: Admixed American, 0.028%; no homozygotes.

Submissions (2):

CeGaT Center for Human Genetics Tuebingen
Classification: Likely benign. Last evaluated: 2025-12-01. Review status: criteria provided, single submitter. Criteria: CeGaT Center For Human Genetics Tuebingen Variant Classification Criteria Version 2. Collection method: clinical testing. Allele origin: germline. Affected: yes. Observed: 1 variant allele.
Comment: TRIP12: BP4, BP7

PreventionGenetics, part of Exact Sciences
Classification: Likely benign for TRIP12-related condition. Last evaluated: 2019-10-28. Review status: no assertion criteria provided. Collection method: clinical testing. Allele origin: germline. Not counted in ClinVar's aggregate classification.
Comment: This variant is classified as likely benign based on ACMG/AMP sequence variant interpretation guidelines (Richards et al. 2015 PMID: 25741868, with internal and published modifications).